The following is an entry in ClinVar:

ClinVar aggregate classification (germline): Pathogenic (1 of 4 stars; one submission).

Conditions:
Developmental and epileptic encephalopathy, 37 (DEE37). Also called: Epileptic encephalopathy, early infantile, 37. Identifiers: MedGen C4310770, MONDO:0014859, OMIM 616981.

Submission:

Labcorp Genetics (formerly Invitae), Labcorp
Classification: Pathogenic for Developmental and epileptic encephalopathy, 37. Last evaluated: 2025-09-24. Review status: criteria provided, single submitter. Criteria: Invitae Variant Classification Sherloc (09022015). Collection method: clinical testing. Allele origin: germline.
Comment: This sequence change creates a premature translational stop signal (p.Asp100Thrfs*79) in the FRRS1L gene. It is expected to result in an absent or disrupted protein product. Loss-of-function variants in FRRS1L are known to be pathogenic (PMID: 27236917). This variant is not present in population databases (gnomAD no frequency). This premature translational stop signal has been observed in individuals with epileptic encephalopathy (PMID: 30525197). ClinVar contains an entry for this variant (Variation ID: 476302). For these reasons, this variant has been classified as Pathogenic.

Literature cited by the submitters: PubMed 27236917; PubMed 30525197.

NM_014334.4(FRRS1L):c.145del (p.Asp49fs)

Gene: FRRS1L (ferric chelate reductase 1 like; minus strand). Cytogenetic location: 9q31.3.
Variant type: Deletion.
Coding change: c.145del on transcript NM_014334.4 (MANE Select); coding-DNA position 145, one base deleted (G; older notation c.145delG).
Protein change: p.Asp49fs; shifts the reading frame from aspartic acid 49.
Molecular consequence: frameshift variant.
Genome position (GRCh38, 1-based): chr9:109,166,994, C deleted on the plus strand (G on the coding strand, the reverse complement: FRRS1L is on the minus strand); the first of 6 consecutive C bases (chr9:109,166,994-109,166,999); deleting any one gives the same sequence. VCF-style (leftmost placement, unchanged base first): chr9-109166993-TC-T. GRCh37 (hg19) VCF-style: chr9-111929273-TC-T.
Other names: c.298del (NM_014334.2); short protein forms D49fs.
Identifiers: ClinVar variation 476302 (VCV000476302.10), dbSNP rs933379958, ClinGen allele CA197584981.
Genomic context (GRCh38, chr9:109,166,993, plus strand): 5'-TCCCCCGCGAAGGTGCCGTAGGAGGAGTCGTGGCGCGGCACCGCCTCGTCGGCGCCCGTG[TC>T]CCCCCGCGCGCGTCCCCGGGGTCCCCGGCCCCCCGGGCCCGCACCGTCGTCCGCGGGGCT-3'